The following is an entry in ClinVar:

NM_001267550.2(TTN):c.61224G>A (p.Val20408=)

Genes: TTN (titin; minus strand), TTN-AS1 (TTN antisense RNA 1; plus strand). Cytogenetic location: 2q31.2.
Variant type: single nucleotide variant.
Coding change: c.61224G>A on transcript NM_001267550.2 (MANE Select); coding-DNA position 61224, G replaced by A.
Protein change: p.Val20408=; no amino-acid change (valine 20408 retained).
Molecular consequence: synonymous variant.
Genome position (GRCh38, 1-based): chr2:178,590,501, C>T on the plus strand (G>A on the coding strand, the complement: TTN is on the minus strand). VCF-style: chr2-178590501-C-T. GRCh37 (hg19) VCF-style: chr2-179455228-C-T.
Other names: c.34029G>A, p.Val11343= (NM_003319.4); c.34404G>A, p.Val11468= (NM_133432.3); c.34605G>A, p.Val11535= (NM_133437.4); c.56301G>A, p.Val18767= (NM_001256850.1); c.53520G>A, p.Val17840= (NM_133378.4).
Identifiers: ClinVar variation 228119 (VCV000228119.55), dbSNP rs566188777, ClinGen allele CA1992390.
Genomic context (GRCh38, chr2:178,590,501, plus strand): 5'-CCTAATGAGTTCATCTTTATTAATCCTGTTCCATTGTGCTGTGCCAGGTTTCTGACATTC[C>T]ACTACATATCCTAGAATGGGGCTACCACCATCACTGAGAGGCTTTGTCCACACCAAATCA-3'
Protein context (NP_001254479.2, residues 20398-20418): DGGSPILGYV[Val20408=]ECQKPGTAQW

ClinVar aggregate classification (germline): Conflicting classifications of pathogenicity. Review status: criteria provided, conflicting classifications (1 of 4 stars). 17 submissions from 13 submitters: Uncertain significance (3); Benign (8); Likely benign (4). 2 of the submissions do not count toward it. Last evaluated 2026-05-28.

Conditions:
TTN-related disorder. Also called: TTN-related condition; TTN-related disease; TTN-related disorders.
Cardiovascular phenotype. Identifiers: MedGen CN230736.
Autosomal recessive limb-girdle muscular dystrophy type 2J (LGMDR10). Also called: Limb-girdle muscular dystrophy, type 2J; MUSCULAR DYSTROPHY, LIMB-GIRDLE, AUTOSOMAL RECESSIVE 10. Identifiers: Orphanet 140922, MedGen C1837342, MONDO:0012127, OMIM 608807.
Dilated cardiomyopathy 1G (CMD1G). Identifiers: Orphanet 154, MedGen C1858763, MONDO:0011400, OMIM 604145.
Cardiomyopathy (CMYO). Also called: Cardiomyopathies. Identifiers: Orphanet 167848, MedGen C0878544, MONDO:0004994, HP:0001638. Inheritance: Various modes of inheritance.
Early-onset myopathy with fatal cardiomyopathy (CMYO5). Also called: CONGENITAL MYOPATHY 5 WITH CARDIOMYOPATHY; Salih Myopathy. Identifiers: Orphanet 289377, MedGen C2673677, MONDO:0012714, OMIM 611705. Disease mechanism: loss of function.
Tibial muscular dystrophy (TMD). Also called: Tibial muscular dystrophy, tardive; UDD MYOPATHY; Udd Distal Myopathy – Tibial Muscular Dystrophy. Identifiers: Orphanet 609, MedGen C1838244, MONDO:0010870, OMIM 600334.
Myopathy, myofibrillar, 9, with early respiratory failure (MFM9). Also called: Hereditary myopathy with early respiratory failure; MYOPATHY, PROXIMAL, WITH EARLY RESPIRATORY MUSCLE INVOLVEMENT; Myopathy, distal, with early respiratory failure, autosomal dominant; EDSTROM MYOPATHY. Identifiers: Orphanet 178464, Orphanet 34521, MedGen C1863599, MONDO:0011362, OMIM 603689.

Allele frequency attached by ClinVar (database versions not stated): gnomAD 0.00001 and 0.00027; TOPMed 0.00001; gnomAD exomes 0.00046 and 0.00087; ExAC 0.00096; 1000 Genomes Project 30x 0.00187; 1000 Genomes Project 0.00200.
gnomAD v4.1: 717 of 1,613,046 alleles (0.044%); highest among the groups gnomAD compares: South Asian, 0.75%; 11 homozygotes.

Submissions (17):

PreventionGenetics, part of Exact Sciences
Classification: Likely benign for TTN-related condition. Last evaluated: 2026-05-28. Review status: criteria provided, single submitter. Criteria: ACMG Guidelines, 2015. Collection method: clinical testing. Allele origin: germline.
Comment: This variant is classified as likely benign based on ACMG/AMP sequence variant interpretation guidelines (Richards et al. 2015 PMID: 25741868, with internal and published modifications).

Labcorp Genetics (formerly Invitae), Labcorp
Classification: Benign for Dilated cardiomyopathy 1G; Autosomal recessive limb-girdle muscular dystrophy type 2J. Last evaluated: 2026-02-01. Review status: criteria provided, single submitter. Criteria: Invitae Variant Classification Sherloc (09022015). Collection method: clinical testing. Allele origin: germline.

Women's Health and Genetics/Laboratory Corporation of America, LabCorp
Classification: Benign. Last evaluated: 2025-07-03. Review status: criteria provided, single submitter. Criteria: LabCorp Variant Classification Summary - May 2015. Collection method: clinical testing. Allele origin: germline.

Blueprint Genetics
Classification: Likely benign. Last evaluated: 2024-10-18. Review status: criteria provided, single submitter. Criteria: ACMG Guidelines, 2015. Collection method: clinical testing. Allele origin: germline.

CeGaT Center for Human Genetics Tuebingen
Classification: Likely benign. Last evaluated: 2024-10-01. Review status: criteria provided, single submitter. Criteria: CeGaT Center For Human Genetics Tuebingen Variant Classification Criteria Version 2. Collection method: clinical testing. Allele origin: germline. Affected: yes. Observed: 2 variant alleles.
Comment: TTN: BP4, BP7

Ambry Genetics
Classification: Benign for Cardiovascular phenotype. Last evaluated: 2021-05-27. Review status: criteria provided, single submitter. Criteria: Ambry Variant Classification Scheme 2023. Collection method: clinical testing. Allele origin: germline.

Illumina Laboratory Services, Illumina
Classification: Benign for Myopathy, myofibrillar, 9, with early respiratory failure. Last evaluated: 2018-01-13. Review status: criteria provided, single submitter. Criteria: ICSL Variant Classification Criteria 13 December 2019. Collection method: clinical testing. Allele origin: germline.
Comment: This variant was observed in the ICSL laboratory as part of a predisposition screen in an ostensibly healthy population. It had not been previously curated by ICSL or reported in the Human Gene Mutation Database (HGMD: prior to June 1st, 2018), and was therefore a candidate for classification through an automated scoring system. Utilizing variant allele frequency, disease prevalence and penetrance estimates, and inheritance mode, an automated score was calculated to assess if this variant is too frequent to cause the disease. Based on the score and internal cut-off values, a variant classified as benign is not then subjected to further curation. The score for this variant resulted in a classification of benign for this disease.

Illumina Laboratory Services, Illumina
Classification: Uncertain significance for Autosomal recessive limb-girdle muscular dystrophy type 2J. Last evaluated: 2018-01-13. Review status: criteria provided, single submitter. Criteria: ICSL Variant Classification Criteria 13 December 2019. Collection method: clinical testing. Allele origin: germline.

Illumina Laboratory Services, Illumina
Classification: Benign for Tibial muscular dystrophy. Last evaluated: 2018-01-13. Review status: criteria provided, single submitter. Criteria: ICSL Variant Classification Criteria 13 December 2019. Collection method: clinical testing. Allele origin: germline.
Comment: the same text as in the submission from Illumina Laboratory Services, Illumina above.

Illumina Laboratory Services, Illumina
Classification: Uncertain significance for Dilated cardiomyopathy 1G. Last evaluated: 2018-01-13. Review status: criteria provided, single submitter. Criteria: ICSL Variant Classification Criteria 13 December 2019. Collection method: clinical testing. Allele origin: germline.

Illumina Laboratory Services, Illumina
Classification: Uncertain significance for Early-onset myopathy with fatal cardiomyopathy. Last evaluated: 2018-01-13. Review status: criteria provided, single submitter. Criteria: ICSL Variant Classification Criteria 13 December 2019. Collection method: clinical testing. Allele origin: germline.

CHEO Genetics Diagnostic Laboratory, Children's Hospital of Eastern Ontario
Classification: Benign for Cardiomyopathy. Last evaluated: 2017-11-30. Review status: criteria provided, single submitter. Criteria: ACMG Guidelines, 2015. Collection method: clinical testing. Allele origin: germline.

Eurofins Ntd Llc (ga)
Classification: Benign. Last evaluated: 2016-11-09. Review status: criteria provided, single submitter. Criteria: EGL Classification Definitions 2015. Collection method: clinical testing. Allele origin: germline. Observed: 4 variant alleles, 4 heterozygotes.

GeneDx
Classification: Benign. Last evaluated: 2015-05-11. Review status: criteria provided, single submitter. Criteria: GeneDx Variant Classification (06012015). Collection method: clinical testing. Allele origin: germline. Affected: yes.
Comment: This variant is considered likely benign or benign based on one or more of the following criteria: it is a conservative change, it occurs at a poorly conserved position in the protein, it is predicted to be benign by multiple in silico algorithms, and/or has population frequency not consistent with disease.

Laboratory for Molecular Medicine, Mass General Brigham Personalized Medicine
Classification: Likely benign. Last evaluated: 2015-02-20. Review status: criteria provided, single submitter. Criteria: LMM Criteria. Collection method: clinical testing. Allele origin: germline. Observed: 2 variant alleles.
Comment: p.Val17840Val in exon 253 of TTN: This variant is not expected to have clinical significance because it does not alter an amino acid residue and is not located within the splice consensus sequence. It has been identified in 0.7% (115/16500) of South Asian chromosomes by the Exome Aggregation Consortium (ExAC).

Clinical Genetics DNA and cytogenetics Diagnostics Lab, Erasmus MC, Erasmus Medical Center
Classification: Likely benign. Review status: no assertion criteria provided. Collection method: clinical testing. Allele origin: germline. Affected: yes. Study: VKGL Data-share Consensus. Not counted in ClinVar's aggregate classification.

Clinical Genetics, Academic Medical Center
Classification: Benign. Review status: no assertion criteria provided. Collection method: clinical testing. Allele origin: germline. Affected: yes. Study: VKGL Data-share Consensus. Not counted in ClinVar's aggregate classification.